The following is an entry in ClinVar:

NM_000260.4(MYO7A):c.6403A>T (p.Lys2135Ter)

Gene: MYO7A (myosin VIIA; plus strand). Cytogenetic location: 11q13.5.
Variant type: single nucleotide variant.
Coding change: c.6403A>T on transcript NM_000260.4 (MANE Select); coding-DNA position 6403, A replaced by T.
Protein change: p.Lys2135Ter; replaces lysine 2135 with a stop codon.
Molecular consequence: nonsense.
Genome position (GRCh38, 1-based): chr11:77,213,000, A>T. VCF-style: chr11-77213000-A-T. GRCh37 (hg19) VCF-style: chr11-76924045-A-T.
Other names: c.6283A>T, p.Lys2095Ter (NM_001127180.2); c.6256A>T, p.Lys2086Ter (NM_001369365.1); short protein forms K2086*, K2095*, K2135*.
Identifiers: ClinVar variation 1725292 (VCV001725292.2), dbSNP rs2497831020, ClinGen allele CA381937566.

ClinVar aggregate classification (germline): Likely pathogenic (1 of 4 stars; one submission).

Conditions:
Usher syndrome type 1 (USH1). Also called: RETINITIS PIGMENTOSA AND CONGENITAL DEAFNESS. Identifiers: Orphanet 231169, Orphanet 886, MedGen C1568247, MONDO:0010168, OMIM 276900.

Submission:

Myriad Genetics, Inc.
Classification: Likely pathogenic for Usher syndrome type 1. Last evaluated: 2022-03-15. Review status: criteria provided, single submitter. Criteria: Myriad Women's Health Autosomal Recessive and X-Linked Classification Criteria (2021). Collection method: clinical testing. Allele origin: unknown.
Comment: NM_000260.3(MYO7A):c.6403A>T(K2135*) is expected to be pathogenic in the context of MYO7A-related disorders. This variant is predicted to lead to an abnormal or absent protein product due to the creation of a premature termination codon in MYO7A, a gene where loss-of-function variants are known to be pathogenic. Please note: this variant was assessed in the context of healthy population screening.